The following is an entry in ClinVar:

ClinVar aggregate classification (germline): Uncertain significance. Review status: criteria provided, multiple submitters, no conflicts (2 of 4 stars). 6 submissions from 5 submitters: Uncertain significance (6). Last evaluated 2026-07-10.

Conditions:
USH2A-related disorder. Also called: USH2A-related disorders; USH2A-related condition. Identifiers: MedGen CN239332.
Retinitis pigmentosa 39 (RP39). Identifiers: Orphanet 791, MedGen C3151138, MONDO:0013436, OMIM 613809.
Usher syndrome type 2A. Also called: RETINAL DISEASE IN USHER SYNDROME TYPE IIA, MODIFIER OF; USHER SYNDROME, TYPE IIA. Identifiers: Orphanet 231178, Orphanet 886, MedGen C1848634, MONDO:0010169, OMIM 276901.

Allele frequency attached by ClinVar (database versions not stated): gnomAD exomes 0.00002; ExAC 0.00003; gnomAD 0.00003; TOPMed 0.00003.
gnomAD v4.1: 29 of 1,613,748 alleles (0.0018%); highest among the groups gnomAD compares: Middle Eastern, 0.099%; 1 homozygote.

Submissions (6):

PreventionGenetics, part of Exact Sciences
Classification: Uncertain significance for USH2A-related condition. Last evaluated: 2026-07-10. Review status: criteria provided, single submitter. Criteria: ACMG Guidelines, 2015. Collection method: clinical testing. Allele origin: germline.
Comment: The USH2A c.10595T>C variant is predicted to result in the amino acid substitution p.Ile3532Thr. To our knowledge, this variant has not been reported in the literature. This variant is reported in 0.0044% of alleles in individuals of European (Non-Finnish) descent in gnomAD. At this time, the clinical significance of this variant is uncertain due to the absence of conclusive functional and genetic evidence.

Labcorp Genetics (formerly Invitae), Labcorp
Classification: Uncertain significance. Last evaluated: 2024-11-05. Review status: criteria provided, single submitter. Criteria: Invitae Variant Classification Sherloc (09022015). Collection method: clinical testing. Allele origin: germline.
Comment: This sequence change replaces isoleucine, which is neutral and non-polar, with threonine, which is neutral and polar, at codon 3532 of the USH2A protein (p.Ile3532Thr). This variant is present in population databases (rs751148618, gnomAD 0.004%). This variant has not been reported in the literature in individuals affected with USH2A-related conditions. ClinVar contains an entry for this variant (Variation ID: 2202152). Invitae Evidence Modeling of protein sequence and biophysical properties (such as structural, functional, and spatial information, amino acid conservation, physicochemical variation, residue mobility, and thermodynamic stability) indicates that this missense variant is not expected to disrupt USH2A protein function with a negative predictive value of 95%. In summary, the available evidence is currently insufficient to determine the role of this variant in disease. Therefore, it has been classified as a Variant of Uncertain Significance.

Blueprint Genetics
Classification: Uncertain significance. Last evaluated: 2024-07-11. Review status: criteria provided, single submitter. Criteria: ACMG Guidelines, 2015. Collection method: clinical testing. Allele origin: germline.

Genome-Nilou Lab
Classification: Uncertain significance for Retinitis pigmentosa 39. Last evaluated: 2023-11-04. Review status: criteria provided, single submitter. Criteria: ACMG Guidelines, 2015. Collection method: clinical testing. Allele origin: germline. Affected: no.

Genome-Nilou Lab
Classification: Uncertain significance for Usher syndrome type 2A. Last evaluated: 2023-11-04. Review status: criteria provided, single submitter. Criteria: ACMG Guidelines, 2015. Collection method: clinical testing. Allele origin: germline. Affected: no.

GeneDx
Classification: Uncertain significance. Last evaluated: 2023-05-22. Review status: criteria provided, single submitter. Criteria: GeneDx Variant Classification Process June 2021. Collection method: clinical testing. Allele origin: germline. Affected: yes.
Comment: Not observed at significant frequency in large population cohorts (gnomAD); In silico analysis supports that this missense variant does not alter protein structure/function; Has not been previously published as pathogenic or benign to our knowledge

NM_206933.4(USH2A):c.10595T>C (p.Ile3532Thr)

Gene: USH2A (usherin; minus strand). Cytogenetic location: 1q41.
Variant type: single nucleotide variant.
Coding change: c.10595T>C on transcript NM_206933.4 (MANE Select); coding-DNA position 10595, T replaced by C.
Protein change: p.Ile3532Thr; replaces isoleucine 3532 with threonine.
Molecular consequence: missense variant.
Genome position (GRCh38, 1-based): chr1:215,782,187, A>G on the plus strand (T>C on the coding strand, the complement: USH2A is on the minus strand). VCF-style: chr1-215782187-A-G. GRCh37 (hg19) VCF-style: chr1-215955529-A-G.
Other names: c.10595T>C (NM_206933.2); short protein forms I3532T.
Identifiers: ClinVar variation 2202152 (VCV002202152.6), dbSNP rs751148618, ClinGen allele CA1393972.
Genomic context (GRCh38, chr1:215,782,187, plus strand): 5'-GAGAAGCTCAGTGATGTTCCCCGAAAACGTTCAATTCCATTTCGAAGAAGGATGTAGTAA[A>G]TAATAGGACCTAAAAGAAGCAGAAAAATGACTGCATTTGAATGTGATATCATTTTAACTA-3'
Protein context (NP_996816.3, residues 3522-3542): RKPIQSNGPI[Ile3532Thr]YYILLRNGIE